The following is an entry in ClinVar:

ClinVar aggregate classification (germline): Benign/Likely benign. Review status: criteria provided, multiple submitters, no conflicts (2 of 4 stars). 10 submissions from 10 submitters: Benign (2); Likely benign (5). 3 of the submissions do not count toward it. Last evaluated 2026-02-01.

Conditions:
Neuronal ceroid lipofuscinosis 11. Also called: GRN-Related Neuronal Ceroid-Lipofuscinosis. Identifiers: Orphanet 314629, Orphanet 79262, MedGen C3539123, MONDO:0013866, OMIM 614706.
GRN-related frontotemporal lobar degeneration with Tdp43 inclusions (FTD2). Also called: DEMENTIA, HEREDITARY DYSPHASIC DISINHIBITION; FRONTOTEMPORAL LOBAR DEGENERATION WITH UBIQUITIN-POSITIVE INCLUSIONS; FTLD-TDP, GRN-RELATED; GRN Frontotemporal Dementia; FRONTOTEMPORAL DEMENTIA WITH TDP43 INCLUSIONS, GRN-RELATED. Identifiers: Orphanet 100070, Orphanet 282, MedGen C1843792, MONDO:0011842, OMIM 607485. Disease mechanism: loss of function.
GRN-related disorder. Also called: GRN-related disorders; GRN-related condition.
Inborn genetic diseases. Identifiers: MedGen C0950123, MeSH D030342.

Allele frequency attached by ClinVar (database versions not stated): gnomAD exomes 0.00038; 1000 Genomes Project 0.00240; 1000 Genomes Project 30x 0.00265; ESP Exome Variant Server 0.00277; gnomAD 0.00326; TOPMed 0.00355.
gnomAD v4.1: 1,041 of 1,612,940 alleles (0.065%); highest among the groups gnomAD compares: African/African-American, 1.1%; 9 homozygotes.

Submissions (10):

Labcorp Genetics (formerly Invitae), Labcorp
Classification: Benign for Neuronal ceroid lipofuscinosis 11; GRN-related frontotemporal lobar degeneration with Tdp43 inclusions. Last evaluated: 2026-02-01. Review status: criteria provided, single submitter. Criteria: Invitae Variant Classification Sherloc (09022015). Collection method: clinical testing. Allele origin: germline.

Blueprint Genetics
Classification: Likely benign. Last evaluated: 2024-10-29. Review status: criteria provided, single submitter. Criteria: ACMG Guidelines, 2015. Collection method: clinical testing. Allele origin: germline.

GeneDx
Classification: Likely benign. Last evaluated: 2021-10-18. Review status: criteria provided, single submitter. Criteria: GeneDx Variant Classification Process June 2021. Collection method: clinical testing. Allele origin: germline. Affected: yes.

Fulgent Genetics
Classification: Likely benign for GRN-related frontotemporal lobar degeneration with Tdp43 inclusions; Neuronal ceroid lipofuscinosis 11. Last evaluated: 2021-09-27. Review status: criteria provided, single submitter. Criteria: ACMG Guidelines, 2015. Collection method: clinical testing. Allele origin: unknown.

Athena Diagnostics
Classification: Benign for GRN-related frontotemporal lobar degeneration with Tdp43 inclusions. Last evaluated: 2017-06-28. Review status: criteria provided, single submitter. Criteria: Athena Diagnostics Criteria. Collection method: clinical testing. Allele origin: germline.

Ambry Genetics
Classification: Likely benign for Inborn genetic diseases. Last evaluated: 2016-05-19. Review status: criteria provided, single submitter. Criteria: Ambry Variant Classification Scheme 2023. Collection method: clinical testing. Allele origin: germline.

Breakthrough Genomics
Classification: Likely benign. Review status: criteria provided, single submitter. Criteria: ACMG Guidelines, 2015. Collection method: not provided. Allele origin: germline. Inheritance: Autosomal recessive inheritance. Affected: yes.

PreventionGenetics, part of Exact Sciences
Classification: Benign for GRN-related condition. Last evaluated: 2019-06-14. Review status: no assertion criteria provided. Collection method: clinical testing. Allele origin: germline. Not counted in ClinVar's aggregate classification.
Comment: This variant is classified as benign based on ACMG/AMP sequence variant interpretation guidelines (Richards et al. 2015 PMID: 25741868, with internal and published modifications).

Clinical Genetics DNA and cytogenetics Diagnostics Lab, Erasmus MC, Erasmus Medical Center
Classification: Benign. Review status: no assertion criteria provided. Collection method: clinical testing. Allele origin: germline. Affected: yes. Study: VKGL Data-share Consensus. Not counted in ClinVar's aggregate classification.

Genome Diagnostics Laboratory, Amsterdam University Medical Center
Classification: Likely benign. Review status: no assertion criteria provided. Collection method: clinical testing. Allele origin: germline. Affected: yes. Study: VKGL Data-share Consensus. Not counted in ClinVar's aggregate classification.

Literature cited by the submitters: PubMed 20020531 (cited by Athena Diagnostics); PubMed 26159191 (cited by Athena Diagnostics).

NM_002087.4(GRN):c.1227G>A (p.Thr409=)

Gene: GRN (granulin precursor; plus strand). Cytogenetic location: 17q21.31.
Variant type: single nucleotide variant.
Coding change: c.1227G>A on transcript NM_002087.4 (MANE Select); coding-DNA position 1227, G replaced by A.
Protein change: p.Thr409=; no amino-acid change (threonine 409 retained).
Molecular consequence: synonymous variant.
Genome position (GRCh38, 1-based): chr17:44,352,062, G>A. VCF-style: chr17-44352062-G-A. GRCh37 (hg19) VCF-style: chr17-42429430-G-A.
Identifiers: ClinVar variation 258551 (VCV000258551.27), dbSNP rs140298583, ClinGen allele CA8602149.
Genomic context (GRCh38, chr17:44,352,062, plus strand): 5'-GCCCACCCCCCAGGCTGTCTGCTGCTCGGACCACCAGCACTGCTGCCCCCAGGGCTACAC[G>A]TGTGTAGCTGAGGGGCAGTGTCAGCGAGGAAGCGAGATCGTGGCTGGACTGGAGAAGATG-3'
Protein context (NP_002078.1, residues 399-419): DHQHCCPQGY[Thr409=]CVAEGQCQRG